The following is an entry in ClinVar:

NM_001267550.2(TTN):c.58384G>C (p.Glu19462Gln)

Genes: TTN (titin; minus strand), TTN-AS1 (TTN antisense RNA 1; plus strand). Cytogenetic location: 2q31.2.
Variant type: single nucleotide variant.
Coding change: c.58384G>C on transcript NM_001267550.2 (MANE Select); coding-DNA position 58384, G replaced by C.
Protein change: p.Glu19462Gln; replaces glutamic acid 19462 with glutamine.
Molecular consequence: missense variant.
Genome position (GRCh38, 1-based): chr2:178,594,009, C>G on the plus strand (G>C on the coding strand, the complement: TTN is on the minus strand). VCF-style: chr2-178594009-C-G. GRCh37 (hg19) VCF-style: chr2-179458736-C-G.
Other names: c.53461G>C, p.Glu17821Gln (NM_001256850.1); c.31189G>C, p.Glu10397Gln (NM_003319.4); c.50680G>C, p.Glu16894Gln (NM_133378.4); c.31564G>C, p.Glu10522Gln (NM_133432.3); c.31765G>C, p.Glu10589Gln (NM_133437.4); short protein forms E10397Q, E10522Q, E10589Q, E16894Q, E17821Q, E19462Q.
Identifiers: ClinVar variation 4823415 (VCV004823415.4).
Genomic context (GRCh38, chr2:178,594,009, plus strand): 5'-AATAAGACTTACCAACAACATTAACTTGACAGAAACCTTTCCTAGAGCCTGTACTGTTCT[C>G]CACAACCACACAGTATTTGCCGGAATCTGAACGTTTGGCCTTGATCTTCTCTAAAGCAAG-3'
Protein context (NP_001254479.2, residues 19452-19472): SDSGKYCVVV[Glu19462Gln]NSTGSRKGFC

ClinVar aggregate classification (germline): Uncertain significance (1 of 4 stars; one submission).

gnomAD v4.1: 1 of 1,613,612 alleles (0.000062%); highest among the groups gnomAD compares: Non-Finnish European, 0.000085%; no homozygotes.

Submission:

CeGaT Center for Human Genetics Tuebingen
Classification: Uncertain significance. Last evaluated: 2026-02-01. Review status: criteria provided, single submitter. Criteria: CeGaT Center For Human Genetics Tuebingen Variant Classification Criteria Version 2. Collection method: clinical testing. Allele origin: germline. Affected: yes. Observed: 1 variant allele.
Comment: TTN: PM2